The following is an entry in ClinVar:

ClinVar aggregate classification (germline): Conflicting classifications of pathogenicity. Review status: criteria provided, conflicting classifications (1 of 4 stars). 3 submissions from 3 submitters: Likely pathogenic (1); Uncertain significance (2). Last evaluated 2023-06-27.

Conditions:
CLRN1-related disorder. Also called: CLRN1-related condition.
Usher syndrome type 3. Also called: Usher Syndrome, Type III. Identifiers: Orphanet 231183, MedGen C1568248, MONDO:0016485.

Allele frequency attached by ClinVar (database versions not stated): gnomAD exomes below 0.00001 and 0.00001; TOPMed below 0.00001; ExAC 0.00001; gnomAD 0.00001.
gnomAD v4.1: 6 of 1,613,416 alleles (0.00037%); highest among the groups gnomAD compares: Non-Finnish European, 0.00051%; no homozygotes.

Submissions (3):

Labcorp Genetics (formerly Invitae), Labcorp
Classification: Uncertain significance. Last evaluated: 2023-06-27. Review status: criteria provided, single submitter. Criteria: Invitae Variant Classification Sherloc (09022015). Collection method: clinical testing. Allele origin: germline.
Comment: This missense change has been observed in individual(s) with clinical features of Usher syndrome (Invitae). This variant is present in population databases (rs780412161, gnomAD 0.0009%). This sequence change replaces isoleucine, which is neutral and non-polar, with phenylalanine, which is neutral and non-polar, at codon 168 of the CLRN1 protein (p.Ile168Phe). ClinVar contains an entry for this variant (Variation ID: 899882). In summary, the available evidence is currently insufficient to determine the role of this variant in disease. Therefore, it has been classified as a Variant of Uncertain Significance. This variant disrupts the p.Ile168 amino acid residue in CLRN1. Other variant(s) that disrupt this residue have been observed in individuals with CLRN1-related conditions (PMID: 23304067), which suggests that this may be a clinically significant amino acid residue. An algorithm developed to predict the effect of missense changes on protein structure and function (PolyPhen-2) suggests that this variant is likely to be disruptive.

Blueprint Genetics
Classification: Likely pathogenic for CLRN1-related disorders. Last evaluated: 2023-03-06. Review status: criteria provided, single submitter. Criteria: ACMG Guidelines, 2015. Collection method: clinical testing. Allele origin: germline. Affected: yes. Observed: 5 variant alleles.

Illumina Laboratory Services, Illumina
Classification: Uncertain significance for Usher syndrome type 3A. Last evaluated: 2018-01-13. Review status: criteria provided, single submitter. Criteria: ICSL Variant Classification Criteria 13 December 2019. Collection method: clinical testing. Allele origin: germline.

Literature cited by the submitters: PubMed 23304067 (cited by Labcorp Genetics (formerly Invitae), Labcorp).

NM_174878.3(CLRN1):c.502A>T (p.Ile168Phe)

Gene: CLRN1 (clarin 1; minus strand). Cytogenetic location: 3q25.1.
Variant type: single nucleotide variant.
Coding change: c.502A>T on transcript NM_174878.3 (MANE Select); coding-DNA position 502, A replaced by T.
Protein change: p.Ile168Phe; replaces isoleucine 168 with phenylalanine.
Molecular consequence: missense variant. On other transcripts: 3 prime UTR variant (1), non-coding transcript variant (1).
Genome position (GRCh38, 1-based): chr3:150,928,133, T>A on the plus strand (A>T on the coding strand, the complement: CLRN1 is on the minus strand). VCF-style: chr3-150928133-T-A. GRCh37 (hg19) VCF-style: chr3-150645920-T-A.
Other names: c.541A>T, p.Ile181Phe (NM_001195794.1); c.*116A>T (NM_001256819.2); c.274A>T, p.Ile92Phe (NM_052995.2); short protein forms I181F, I168F, I92F.
Identifiers: ClinVar variation 899882 (VCV000899882.6), dbSNP rs780412161, ClinGen allele CA2666024.
Genomic context (GRCh38, chr3:150,928,133, plus strand): 5'-AGGTGGTATATTTTTCACTTTGCGTTTTGTAGACATAAGTCCCTTCTTTATAATTTGCAA[T>A]TTTTTCTGAGAGGTGATGGATTTTCACTTCAGAGGCAAACAATATCATGACAAGACAGCC-3'
Protein context (NP_777367.1, residues 158-178): EVKIHHLSEK[Ile168Phe]ANYKEGTYVY